The following is an entry in ClinVar:

ClinVar aggregate classification (germline): Likely benign. Review status: criteria provided, multiple submitters, no conflicts (2 of 4 stars). 3 submissions from 3 submitters: Likely benign (3). Last evaluated 2025-11-26.

Conditions:
Pseudohypoaldosteronism type 2C (PHA2C). Also called: Pseudohypoaldosteronism Type IIC. Identifiers: Orphanet 757, Orphanet 88940, MedGen C1840391, MONDO:0013778, OMIM 614492.
Neuropathy, hereditary sensory and autonomic, type 2A (HSAN2A). Also called: NEUROPATHY, CONGENITAL SENSORY; NEUROPATHY, HEREDITARY SENSORY RADICULAR, AUTOSOMAL RECESSIVE; NEUROPATHY, HEREDITARY SENSORY, TYPE IIA; NEUROPATHY, PROGRESSIVE SENSORY, OF CHILDREN; ACROOSTEOLYSIS, GIACCAI TYPE; ACROOSTEOLYSIS, NEUROGENIC. Identifiers: Orphanet 970, MedGen C2752089, MONDO:0024309, OMIM 201300.

Allele frequency attached by ClinVar (database versions not stated): gnomAD 0.00007; gnomAD exomes 0.00004; TOPMed 0.00004; ExAC 0.00006.
gnomAD v4.1: 53 of 1,613,852 alleles (0.0033%); highest among the groups gnomAD compares: South Asian, 0.0066%; no homozygotes.

Submissions (3):

Labcorp Genetics (formerly Invitae), Labcorp
Classification: Likely benign for Neuropathy, hereditary sensory and autonomic, type 2A; Pseudohypoaldosteronism type 2C. Last evaluated: 2025-11-26. Review status: criteria provided, single submitter. Criteria: Invitae Variant Classification Sherloc (09022015). Collection method: clinical testing. Allele origin: germline.

Blueprint Genetics
Classification: Likely benign. Last evaluated: 2024-03-09. Review status: criteria provided, single submitter. Criteria: ACMG Guidelines, 2015. Collection method: clinical testing. Allele origin: germline.

GeneDx
Classification: Likely benign. Last evaluated: 2017-04-26. Review status: criteria provided, single submitter. Criteria: GeneDx Variant Classification (06012015). Collection method: clinical testing. Allele origin: germline. Affected: yes.
Comment: This variant is considered likely benign or benign based on one or more of the following criteria: it is a conservative change, it occurs at a poorly conserved position in the protein, it is predicted to be benign by multiple in silico algorithms, and/or has population frequency not consistent with disease.

NM_213655.5(WNK1):c.2415G>A (p.Pro805=)

Gene: WNK1 (WNK lysine deficient protein kinase 1; plus strand). Cytogenetic location: 12p13.33.
Variant type: single nucleotide variant.
Coding change: c.2415G>A on transcript NM_213655.5 (MANE Plus Clinical); coding-DNA position 2415, G replaced by A.
Protein change: p.Pro805=; no amino-acid change (proline 805 retained).
Molecular consequence: synonymous variant. On other transcripts: intron variant (2).
Genome position (GRCh38, 1-based): chr12:867,886, G>A. VCF-style: chr12-867886-G-A. GRCh37 (hg19) VCF-style: chr12-977052-G-A.
Other names: c.2160G>A, p.Pro720= (NM_001184985.2); c.2140-3379G>A (NM_018979.4, NM_014823.3).
Identifiers: ClinVar variation 509183 (VCV000509183.10), dbSNP rs774824248, ClinGen allele CA6382173.